The following is an entry in ClinVar:

NM_018082.6(POLR3B):c.1401T>A (p.Gly467=)

Gene: POLR3B (RNA polymerase III subunit B; plus strand). Cytogenetic location: 12q23.3.
Variant type: single nucleotide variant.
Coding change: c.1401T>A on transcript NM_018082.6 (MANE Select); coding-DNA position 1401, T replaced by A.
Protein change: p.Gly467=; no amino-acid change (glycine 467 retained).
Molecular consequence: synonymous variant.
Genome position (GRCh38, 1-based): chr12:106,430,410, T>A. VCF-style: chr12-106430410-T-A. GRCh37 (hg19) VCF-style: chr12-106824188-T-A.
Other names: p.Gly467=; c.1227T>A, p.Gly409= (NM_001160708.2).
Identifiers: ClinVar variation 306934 (VCV000306934.45), dbSNP rs74390456, ClinGen allele CA6761940.

ClinVar aggregate classification (germline): Benign/Likely benign. Review status: criteria provided, multiple submitters, no conflicts (2 of 4 stars). 7 submissions from 7 submitters: Benign (2); Likely benign (5). Last evaluated 2026-10-01.

Conditions:
Leukodystrophy, hypomyelinating, 8, with or without oligodontia and/or hypogonadotropic hypogonadism. Also called: LEUKODYSTROPHY, HYPOMYELINATING, 8, WITH HYPODONTIA AND HYPOGONADOTROPIC HYPOGONADISM; Hypomyelinating leukodystrophy 8 with or without oligodontia and-or hypogonadotropic hypogonadism; Endosteal sclerosis-cerebellar hypoplasia syndrome. Identifiers: Orphanet 85186, Orphanet 88637, MedGen C3280644, MONDO:0013722, OMIM 614381.

Allele frequency attached by ClinVar (database versions not stated): 1000 Genomes Project 30x 0.00281; gnomAD 0.00195 and 0.00196; ESP Exome Variant Server 0.00138; gnomAD exomes 0.00166; 1000 Genomes Project 0.00220; ExAC 0.00166; TOPMed 0.00246.
gnomAD v4.1: 4,233 of 1,613,684 alleles (0.26%); highest among the groups gnomAD compares: Non-Finnish European, 0.33%; 7 homozygotes.

Submissions (7):

CeGaT Center for Human Genetics Tuebingen
Classification: Likely benign. Last evaluated: 2026-10-01. Review status: criteria provided, single submitter. Criteria: CeGaT Center For Human Genetics Tuebingen Variant Classification Criteria Version 2. Collection method: clinical testing. Allele origin: germline. Affected: yes. Observed: 11 variant alleles.
Comment: POLR3B: BP4, BP7

Labcorp Genetics (formerly Invitae), Labcorp
Classification: Benign. Last evaluated: 2026-01-11. Review status: criteria provided, single submitter. Criteria: Invitae Variant Classification Sherloc (09022015). Collection method: clinical testing. Allele origin: germline.

Blueprint Genetics
Classification: Likely benign. Last evaluated: 2024-10-22. Review status: criteria provided, single submitter. Criteria: ACMG Guidelines, 2015. Collection method: clinical testing. Allele origin: germline.

Mayo Clinic Laboratories, Mayo Clinic
Classification: Benign. Last evaluated: 2024-07-09. Review status: criteria provided, single submitter. Criteria: ACMG Guidelines, 2015. Collection method: clinical testing. Allele origin: germline. Observed: 7 variant alleles.
Comment: BS1, BS2, BP4, BP7

GeneDx
Classification: Likely benign. Last evaluated: 2020-10-15. Review status: criteria provided, single submitter. Criteria: GeneDx Variant Classification Process June 2021. Collection method: clinical testing. Allele origin: germline. Affected: yes.

Illumina Laboratory Services, Illumina
Classification: Likely benign for Leukodystrophy, hypomyelinating, 8, with or without oligodontia and/or hypogonadotropic hypogonadism. Last evaluated: 2018-01-13. Review status: criteria provided, single submitter. Criteria: ICSL Variant Classification Criteria 13 December 2019. Collection method: clinical testing. Allele origin: germline.
Comment: This variant was observed in the ICSL laboratory as part of a predisposition screen in an ostensibly healthy population. It had not been previously curated by ICSL or reported in the Human Gene Mutation Database (HGMD: prior to June 1st, 2018), and was therefore a candidate for classification through an automated scoring system. Utilizing variant allele frequency, disease prevalence and penetrance estimates, and inheritance mode, an automated score was calculated to assess if this variant is too frequent to cause the disease. Based on the score and internal cut-off values, a variant classified as likely benign is not then subjected to further curation. The score for this variant resulted in a classification of likely benign for this disease.

Breakthrough Genomics
Classification: Likely benign. Review status: criteria provided, single submitter. Criteria: ACMG Guidelines, 2015. Collection method: not provided. Allele origin: germline. Inheritance: Autosomal recessive inheritance. Affected: yes.